The following is an entry in ClinVar:

ClinVar aggregate classification (germline): Uncertain significance. Review status: criteria provided, multiple submitters, no conflicts (2 of 4 stars). 2 submissions from 2 submitters: Uncertain significance (2). Last evaluated 2025-03-04.

Submissions (3):

Center for Genomic Medicine, Rigshospitalet, Copenhagen University Hospital
Classification: Uncertain significance. Last evaluated: 2025-03-04. Review status: criteria provided, single submitter. Criteria: ACMG Guidelines, 2015. Collection method: clinical testing. Allele origin: germline.

Quest Diagnostics Nichols Institute San Juan Capistrano
Classification: Uncertain significance. Last evaluated: 2021-07-30. Review status: criteria provided, single submitter. Criteria: Quest Diagnostics criteria. Collection method: clinical testing. Allele origin: unknown.

Brotman Baty Institute, University of Washington
No classification provided (evidence only). Condition: Breast-ovarian cancer, familial 1. Review status: no classification provided. Collection method: in vitro. Allele origin: not applicable. Functional consequence: function_uncertain_variant. Not counted in ClinVar's aggregate classification.
ClinVar note: "not provided" was previously submitted as the classification for the variant. However, the classification appeared to be based only on an observation of functional data so it was converted to no classification on 2025-07-30.

Literature cited by the submitters: PubMed 30209399 (cited by Center for Genomic Medicine, Rigshospitalet, Copenhagen University Hospital and Quest Diagnostics Nichols Institute San Juan Capistrano).

NM_007294.4(BRCA1):c.255G>C (p.Glu85Asp)

Gene: BRCA1 (BRCA1 DNA repair associated; minus strand). Cytogenetic location: 17q21.31.
Variant type: single nucleotide variant.
Coding change: c.255G>C on transcript NM_007294.4 (MANE Select); coding-DNA position 255, G replaced by C.
Protein change: p.Glu85Asp; replaces glutamic acid 85 with aspartic acid.
Molecular consequence: missense variant. On other transcripts: non-coding transcript variant (1).
Genome position (GRCh38, 1-based): chr17:43,104,914, C>G on the plus strand (G>C on the coding strand, the complement: BRCA1 is on the minus strand). VCF-style: chr17-43104914-C-G. GRCh37 (hg19) VCF-style: chr17-41256931-C-G.
Other names: c.45G>C, p.Glu15Asp (NM_001407952.1, NM_001407953.1, NM_001407954.1 and 58 more transcripts); c.-127G>C (NM_001407959.1, NM_001407960.1, NM_001407962.1 and 4 more transcripts); c.114G>C, p.Glu38Asp (NM_001407964.1, NM_001408410.1, NM_001408452.1 and 99 more transcripts); c.255G>C, p.Glu85Asp (NM_001407968.1, NM_001407969.1, NM_001407970.1 and 168 more transcripts); c.177G>C, p.Glu59Asp (NM_001408409.1, NM_001408411.1, NM_001408412.1 and 21 more transcripts); c.123G>C, p.Glu41Asp (NM_001408451.1); short protein forms E85D, E38D, E59D, E15D, E41D.
Identifiers: ClinVar variation 868809 (VCV000868809.11), dbSNP rs756499058, ClinGen allele CA10601644.